The following is an entry in ClinVar:

ClinVar aggregate classification (germline): Uncertain significance (1 of 4 stars; one submission).

Submission:

GeneDx
Classification: Uncertain significance. Last evaluated: 2022-01-22. Review status: criteria provided, single submitter. Criteria: GeneDx Variant Classification Process June 2021. Collection method: clinical testing. Allele origin: germline. Affected: yes.
Comment: Not observed at significant frequency in large population cohorts (gnomAD); In-frame duplication of 6 amino acids in a non-repeat region; Has not been previously published as pathogenic or benign to our knowledge

NM_014727.3(KMT2B):c.282_299dup (p.Gly100_Trp101insArgGlyArgGlyArgGly)

Gene: KMT2B (lysine methyltransferase 2B; plus strand). Cytogenetic location: 19q13.12.
Variant type: Duplication.
Coding change: c.282_299dup on transcript NM_014727.3 (MANE Select); coding-DNA positions 282 to 299, 18 bases duplicated (ACGGGGTCGGGGCCGGGG).
Protein change: p.Gly100_Trp101insArgGlyArgGlyArgGly.
Molecular consequence: inframe insertion.
Genome position (GRCh38, 1-based): chr19:35,718,300-35,718,317, ACGGGGTCGGGGCCGGGG duplicated; duplicating any 18 consecutive bases within chr19:35,718,289-35,718,317 gives the same sequence; the c. name uses the placement nearest the transcript's 3' end. VCF-style (leftmost placement, unchanged base first): chr19-35718288-G-GCGGGGCCGGGGACGGGGT. GRCh37 (hg19) VCF-style: chr19-36209190-G-GCGGGGCCGGGGACGGGGT.
Identifiers: ClinVar variation 1698156 (VCV001698156.2), dbSNP rs2146429185, ClinGen allele CA2580096821.